The following is an entry in ClinVar:

ClinVar aggregate classification (germline): Uncertain significance (1 of 4 stars; one submission).

gnomAD v4.1: 3 of 1,614,172 alleles (0.00019%); highest among the groups gnomAD compares: Admixed American, 0.005%; no homozygotes.

Submission:

GeneDx
Classification: Uncertain significance. Last evaluated: 2024-06-25. Review status: criteria provided, single submitter. Criteria: GeneDx Variant Classification Process June 2021. Collection method: clinical testing. Allele origin: germline. Affected: yes.
Comment: In silico analysis indicates that this missense variant does not alter protein structure/function; Has not been previously published as pathogenic or benign to our knowledge

NM_001199799.2(ILDR1):c.1008C>G (p.Ile336Met)

Gene: ILDR1 (immunoglobulin like domain containing receptor 1; minus strand). Cytogenetic location: 3q13.33.
Variant type: single nucleotide variant.
Coding change: c.1008C>G on transcript NM_001199799.2 (MANE Select); coding-DNA position 1008, C replaced by G.
Protein change: p.Ile336Met; replaces isoleucine 336 with methionine.
Molecular consequence: missense variant.
Genome position (GRCh38, 1-based): chr3:121,993,741, G>C on the plus strand (C>G on the coding strand, the complement: ILDR1 is on the minus strand). VCF-style: chr3-121993741-G-C. GRCh37 (hg19) VCF-style: chr3-121712588-G-C.
Other names: c.741C>G, p.Ile247Met (NM_001199800.2); c.876C>G, p.Ile292Met (NM_175924.4); short protein forms I247M, I292M, I336M.
Identifiers: ClinVar variation 3392734 (VCV003392734.1).